The following is an entry in ClinVar:

ClinVar aggregate classification (germline): Uncertain significance (1 of 4 stars; one submission).

Conditions:
Muscular dystrophy-dystroglycanopathy (congenital with brain and eye anomalies), type A13. Also called: WALKER-WARBURG SYNDROME OR MUSCLE-EYE-BRAIN DISEASE, B3GNT1-RELATED; Muscular dystrophy-dystroglycanopathy (congenital with brain and eye anomalies), type a, 13. Identifiers: Orphanet 899, MedGen C3809042, MONDO:0014120, OMIM 615287.

Submission:

Labcorp Genetics (formerly Invitae), Labcorp
Classification: Uncertain significance for Muscular dystrophy-dystroglycanopathy (congenital with brain and eye anomalies), type A13. Last evaluated: 2022-02-10. Review status: criteria provided, single submitter. Criteria: Invitae Variant Classification Sherloc (09022015). Collection method: clinical testing. Allele origin: germline.
Comment: This sequence change creates a premature translational stop signal (p.Trp250Leufs*113) in the B4GAT1 gene. While this is not anticipated to result in nonsense mediated decay, it is expected to disrupt the last 166 amino acid(s) of the B4GAT1 protein. This variant is not present in population databases (gnomAD no frequency). This variant has not been reported in the literature in individuals affected with B4GAT1-related conditions. ClinVar contains an entry for this variant (Variation ID: 1006470). Experimental studies and prediction algorithms are not available or were not evaluated, and the functional significance of this variant is currently unknown. In summary, the available evidence is currently insufficient to determine the role of this variant in disease. Therefore, it has been classified as a Variant of Uncertain Significance.

NM_006876.3(B4GAT1):c.748dup (p.Trp250fs)

Gene: B4GAT1 (beta-1,4-glucuronyltransferase 1; minus strand). Cytogenetic location: 11q13.2.
Variant type: Duplication.
Coding change: c.748dup on transcript NM_006876.3 (MANE Select); coding-DNA position 748, one base duplicated (T; older notation c.748dupT).
Protein change: p.Trp250fs; shifts the reading frame from tryptophan 250.
Molecular consequence: frameshift variant.
Genome position (GRCh38, 1-based): chr11:66,346,798, A duplicated on the plus strand (T on the coding strand, the reverse complement: B4GAT1 is on the minus strand). VCF-style (leftmost placement, unchanged base first): chr11-66346797-C-CA. GRCh37 (hg19) VCF-style: chr11-66114268-C-CA.
Other names: short protein forms W250fs.
Identifiers: ClinVar variation 1006470 (VCV001006470.4), dbSNP rs1379626331, ClinGen allele CA679405959.
Genomic context (GRCh38, chr11:66,346,797, plus strand): 5'-ATGGGCATGCGGCGGGCTCTTCGGATTTCGAAGGCAGGCACCACCAGCGCGGTGCCTCCC[C>CA]ACTGGTTGCTCTGATCCAGCATTTCCCGCAGGCCTCTCCACAGCCCCTCGCTGGGCACCA-3'